The following is an entry in ClinVar:

ClinVar aggregate classification (germline): Likely benign (0 of 4 stars; one submission).

Conditions:
TFR2-related disorder. Also called: TFR2-related condition.

Submission:

PreventionGenetics, part of Exact Sciences
Classification: Likely benign for TFR2-related condition. Last evaluated: 2020-08-02. Review status: no assertion criteria provided. Collection method: clinical testing. Allele origin: germline.
Comment: This variant is classified as likely benign based on ACMG/AMP sequence variant interpretation guidelines (Richards et al. 2015 PMID: 25741868, with internal and published modifications).

NM_003227.4(TFR2):c.819_849+2dup

Gene: TFR2 (transferrin receptor 2; minus strand). Cytogenetic location: 7q22.1.
Variant type: Duplication.
Coding change: c.819_849+2dup on transcript NM_003227.4 (MANE Select); coding-DNA position 819 through the canonical splice donor site of the intron after coding-DNA position 849, 33 bases duplicated.
Molecular consequence: splice donor variant.
Genome position (GRCh38, 1-based): chr7:100,632,999-100,633,031, 33 bases duplicated; duplicating any 33 consecutive bases within chr7:100,632,999-100,633,034 gives the same sequence; the c. name uses the placement nearest the transcript's 3' end. GRCh37 (hg19): chr7:100,230,625-100,230,657.
Other names: c.306_336+2dup (NM_001206855.3).
Identifiers: ClinVar variation 3036074 (VCV003036074.2), dbSNP rs767833407, ClinGen allele CA4386697.